The following is an entry in ClinVar:

NM_001271803.2(REEP2):c.722C>A (p.Thr241Asn)

Gene: REEP2 (receptor accessory protein 2; plus strand). Cytogenetic location: 5q31.2.
Variant type: single nucleotide variant.
Coding change: c.722C>A on transcript NM_001271803.2 (MANE Select); coding-DNA position 722, C replaced by A.
Protein change: p.Thr241Asn; replaces threonine 241 with asparagine.
Molecular consequence: missense variant. On other transcripts: non-coding transcript variant (2).
Genome position (GRCh38, 1-based): chr5:138,445,708, C>A. VCF-style: chr5-138445708-C-A. GRCh37 (hg19) VCF-style: chr5-137781397-C-A.
Other names: c.716C>A, p.Thr239Asn (NM_016606.4); short protein forms T241N, T239N.
Identifiers: ClinVar variation 3708195 (VCV003708195.2).

ClinVar aggregate classification (germline): Uncertain significance (1 of 4 stars; one submission).

Conditions:
Hereditary spastic paraplegia 72 (SPG72A). Also called: Spastic paraplegia 72, autosomal recessive. Identifiers: Orphanet 401849, MedGen C5882669, MONDO:0014282, OMIM 615625.

Submission:

Labcorp Genetics (formerly Invitae), Labcorp
Classification: Uncertain significance for Hereditary spastic paraplegia 72. Last evaluated: 2025-06-12. Review status: criteria provided, single submitter. Criteria: Invitae Variant Classification Sherloc (09022015). Collection method: clinical testing. Allele origin: germline.
Comment: This sequence change replaces threonine, which is neutral and polar, with asparagine, which is neutral and polar, at codon 241 of the REEP2 protein (p.Thr241Asn). This variant is present in population databases (no rsID available, gnomAD 0.007%). This variant has not been reported in the literature in individuals affected with REEP2-related conditions. ClinVar contains an entry for this variant (Variation ID: 3708195). An algorithm developed to predict the effect of missense changes on protein structure and function (PolyPhen-2) suggests that this variant is likely to be tolerated. In summary, the available evidence is currently insufficient to determine the role of this variant in disease. Therefore, it has been classified as a Variant of Uncertain Significance.